The following is an entry in ClinVar:

NM_003235.5(TG):c.4690_4691del (p.Gln1564fs)

Gene: TG (thyroglobulin; plus strand). Cytogenetic location: 8q24.22.
Variant type: Microsatellite.
Coding change: c.4690_4691del on transcript NM_003235.5 (MANE Select); coding-DNA positions 4690 to 4691, 2 bases deleted (CA; older notation c.4690_4691delCA).
Protein change: p.Gln1564fs; shifts the reading frame from glutamine 1564.
Molecular consequence: frameshift variant.
Genome position (GRCh38, 1-based): chr8:132,923,499-132,923,500, CA deleted; deleting any 2 consecutive bases within chr8:132,923,497-132,923,500 gives the same sequence; the c. name uses the placement nearest the transcript's 3' end. VCF-style (leftmost placement, unchanged base first): chr8-132923496-TCA-T. GRCh37 (hg19) VCF-style: chr8-133935741-TCA-T.
Other names: short protein forms Q1564fs.
Identifiers: ClinVar variation 4990899 (VCV004990899.1).

ClinVar aggregate classification (germline): Likely pathogenic (1 of 4 stars; one submission).

Conditions:
TG-related disorder. Also called: TG-related condition; TG-related disorders.

Submission:

PreventionGenetics, part of Exact Sciences
Classification: Likely pathogenic for TG-related condition. Last evaluated: 2025-12-03. Review status: criteria provided, single submitter. Criteria: ACMG Guidelines, 2015. Collection method: clinical testing. Allele origin: germline.
Comment: The TG c.4690_4691delCA variant is predicted to result in a frameshift and premature protein termination (p.Gln1564Valfs*8). To our knowledge, this variant has not been reported in the literature or in a large population database (gnomAD), indicating this variant is rare. Frameshift variants in TG are expected to be pathogenic. This variant is interpreted as likely pathogenic.